The following is an entry in ClinVar:

ClinVar aggregate classification (germline): Likely pathogenic (1 of 4 stars; one submission).

Conditions:
Nephrotic syndrome, type 9 (NPHS9). Identifiers: Orphanet 656, MedGen C3809965, MONDO:0014257, OMIM 615573.

Submission:

3billion
Classification: Likely pathogenic for Nephrotic syndrome, type 9. Last evaluated: 2025-11-27. Review status: criteria provided, single submitter. Criteria: ACMG Guidelines, 2015. Collection method: clinical testing. Allele origin: germline. Affected: yes.
Comment: The variant is observed at an extremely low frequency in the gnomAD v4.1.0 dataset (total allele frequency: <0.001%). Predicted Consequence/Location: Missense variant In silico tool predictions suggest damaging effect of the variant on gene or gene product [REVEL: 0.86 (>=0.6, sensitivity 0.68 and specificity 0.92); 3Cnet: 0.98 (> 0.75, sensitivity 0.96 and precision 0.92)]. The same nucleotide change resulting in the same amino acid change has been previously reported to be associated with COQ8B-related disorder (ClinVar ID: VCV004293095 /PMID: 28405841 /3billion dataset). The variant has been reported to be in trans with a pathogenic variant as either compound heterozygous or homozygous in at least 2 similarly affected unrelated individuals (PMID: 32543055, 35483523). Therefore, this variant is classified as Likely pathogenic according to the recommendation of ACMG/AMP guideline.

Literature cited by the submitters: PubMed 32543055; PubMed 28405841; PubMed 35483523.

NM_024876.4(COQ8B):c.449G>A (p.Arg150Gln)

Gene: COQ8B (coenzyme Q8B; minus strand). Cytogenetic location: 19q13.2.
Variant type: single nucleotide variant.
Coding change: c.449G>A on transcript NM_024876.4 (MANE Select); coding-DNA position 449, G replaced by A.
Protein change: p.Arg150Gln; replaces arginine 150 with glutamine.
Molecular consequence: missense variant. On other transcripts: intron variant (1).
Genome position (GRCh38, 1-based): chr19:40,705,366, C>T on the plus strand (G>A on the coding strand, the complement: COQ8B is on the minus strand). VCF-style: chr19-40705366-C-T. GRCh37 (hg19) VCF-style: chr19-41211271-C-T.
Other names: c.368-185G>A (NM_001142555.3); short protein forms R150Q.
Identifiers: ClinVar variation 4293095 (VCV004293095.2).